The following is an entry in ClinVar:

NM_020442.6(VARS2):c.685A>T (p.Ile229Phe)

Gene: VARS2 (valyl-tRNA synthetase 2, mitochondrial; plus strand). Cytogenetic location: 6p21.33.
Variant type: single nucleotide variant.
Coding change: c.685A>T on transcript NM_020442.6 (MANE Select); coding-DNA position 685, A replaced by T.
Protein change: p.Ile229Phe; replaces isoleucine 229 with phenylalanine.
Molecular consequence: missense variant.
Genome position (GRCh38, 1-based): chr6:30,916,891, A>T. VCF-style: chr6-30916891-A-T. GRCh37 (hg19) VCF-style: chr6-30884668-A-T.
Other names: c.265A>T, p.Ile89Phe (NM_001167733.3); c.775A>T, p.Ile259Phe (NM_001167734.2); short protein forms I229F, I259F, I89F.
Identifiers: ClinVar variation 2155982 (VCV002155982.2), dbSNP rs1004903354, ClinGen allele CA136804865.

ClinVar aggregate classification (germline): Uncertain significance (1 of 4 stars; one submission).

Allele frequency attached by ClinVar (database versions not stated): TOPMed below 0.00001; gnomAD exomes 0.00001.

Submission:

Labcorp Genetics (formerly Invitae), Labcorp
Classification: Uncertain significance. Last evaluated: 2022-08-16. Review status: criteria provided, single submitter. Criteria: Invitae Variant Classification Sherloc (09022015). Collection method: clinical testing. Allele origin: germline.
Comment: In summary, the available evidence is currently insufficient to determine the role of this variant in disease. Therefore, it has been classified as a Variant of Uncertain Significance. Algorithms developed to predict the effect of missense changes on protein structure and function are either unavailable or do not agree on the potential impact of this missense change (SIFT: "Deleterious"; PolyPhen-2: "Probably Damaging"; Align-GVGD: "Class C15"). This variant has not been reported in the literature in individuals affected with VARS2-related conditions. This variant is not present in population databases (gnomAD no frequency). This sequence change replaces isoleucine, which is neutral and non-polar, with phenylalanine, which is neutral and non-polar, at codon 259 of the VARS2 protein (p.Ile259Phe).